The following is an entry in ClinVar:

NC_000023.10:g.(?_32235023)_(32663279_?)del

Gene: DMD (dystrophin; minus strand). Cytogenetic location: Xp21.1.
Variant type: Deletion.
Identifiers: ClinVar variation 1073294 (VCV001073294.8).

ClinVar aggregate classification (germline): Pathogenic (1 of 4 stars; one submission).

Conditions:
Duchenne muscular dystrophy (DMD). Also called: MUSCULAR DYSTROPHY, PSEUDOHYPERTROPHIC PROGRESSIVE, DUCHENNE TYPE; Duchenne Muscular Dystrophy (DMD). Identifiers: Orphanet 98896, MedGen C0013264, MONDO:0010679, OMIM 310200.

Submission:

Labcorp Genetics (formerly Invitae), Labcorp
Classification: Pathogenic for Duchenne muscular dystrophy. Last evaluated: 2021-07-26. Review status: criteria provided, single submitter. Criteria: Invitae Variant Classification Sherloc (09022015). Collection method: clinical testing. Allele origin: germline.
Comment: For these reasons, this variant has been classified as Pathogenic. Experimental studies and prediction algorithms are not available or were not evaluated, and the functional significance of this variant is currently unknown. A similar copy number variant has been observed in individual(s) with Duchenne or Becker muscular dystrophy (PMID: 20485447, 27206868, 31705731, 12674656). This variant is an in-frame deletion of the genomic region encompassing exon(s) 10-44 of the DMD gene. It preserves the integrity of the reading frame.

Literature cited by the submitters: PubMed 20485447; PubMed 27206868; PubMed 31705731; PubMed 12674656.